The following is an entry in ClinVar:

ClinVar aggregate classification (germline): Likely benign. Review status: criteria provided, multiple submitters, no conflicts (2 of 4 stars). 2 submissions from 2 submitters: Likely benign (2). Last evaluated 2025-11-07.

Conditions:
CYP7B1-related disorder. Also called: CYP7B1-related condition.
Spastic paraplegia. Identifiers: MedGen C0037772, HP:0001258.

Submissions (2):

PreventionGenetics, part of Exact Sciences
Classification: Likely benign for CYP7B1-related condition. Last evaluated: 2025-11-07. Review status: criteria provided, single submitter. Criteria: ACMG Guidelines, 2015. Collection method: clinical testing. Allele origin: germline.
Comment: This variant is classified as likely benign based on ACMG/AMP sequence variant interpretation guidelines (Richards et al. 2015 PMID: 25741868, with internal and published modifications).

Labcorp Genetics (formerly Invitae), Labcorp
Classification: Likely benign for Spastic paraplegia. Last evaluated: 2023-02-03. Review status: criteria provided, single submitter. Criteria: Invitae Variant Classification Sherloc (09022015). Collection method: clinical testing. Allele origin: germline.

NM_004820.5(CYP7B1):c.1057+10_1057+15del

Gene: CYP7B1 (cytochrome P450 family 7 subfamily B member 1; minus strand). Cytogenetic location: 8q12.3.
Variant type: Deletion.
Coding change: c.1057+10_1057+15del on transcript NM_004820.5 (MANE Select); bases 10 to 15 of the intron after coding-DNA position 1057, 6 bases deleted (TTTTAT; older notation c.1057+10_1057+15delTTTTAT).
Molecular consequence: intron variant.
Genome position (GRCh38, 1-based): chr8:64,615,011-64,615,016, ATAAAA deleted on the plus strand (TTTTAT on the coding strand, the reverse complement: CYP7B1 is on the minus strand); deleting any 6 consecutive bases within chr8:64,615,011-64,615,021 gives the same sequence; the c. name uses the placement nearest the transcript's 3' end. VCF-style (leftmost placement, unchanged base first): chr8-64615010-GATAAAA-G. GRCh37 (hg19) VCF-style: chr8-65527567-GATAAAA-G.
Other names: c.1057+10_1057+15del6 (NM_004820.4); c.1057+10_1057+15del (NM_001324112.2).
Identifiers: ClinVar variation 2728302 (VCV002728302.4), dbSNP rs1805412416, ClinGen allele CA1789663958.